The following is an entry in ClinVar:

NM_000051.4(ATM):c.6931A>T (p.Ile2311Phe)

Genes: C11orf65 (chromosome 11 open reading frame 65; minus strand), ATM (ATM serine/threonine kinase; plus strand). Cytogenetic location: 11q22.3.
Variant type: single nucleotide variant.
Coding change: c.6931A>T on transcript NM_000051.4 (MANE Select); coding-DNA position 6931, A replaced by T.
Protein change: p.Ile2311Phe; replaces isoleucine 2311 with phenylalanine.
Molecular consequence: missense variant. On other transcripts: intron variant (2).
Genome position (GRCh38, 1-based): chr11:108,326,181, A>T. VCF-style: chr11-108326181-A-T. GRCh37 (hg19) VCF-style: chr11-108196908-A-T.
Other names: c.6931A>T, p.Ile2311Phe (NM_001351834.2); c.641-17110T>A (NM_001330368.2); c.*38+9039T>A (NM_001351110.2); short protein forms I2311F.
Identifiers: ClinVar variation 2754768 (VCV002754768.3), dbSNP rs776429506, ClinGen allele CA382557175.

ClinVar aggregate classification (germline): Uncertain significance (1 of 4 stars; one submission).

Conditions:
Ataxia-telangiectasia syndrome (AT). Also called: LOUIS-BAR SYNDROME; Cerebello-oculocutaneous telangiectasia; Immunodeficiency with ataxia telangiectasia; Ataxia telangiectasia (A-T); Ataxia-telangiectasia, complementation group D; AT, COMPLEMENTATION GROUP C. Identifiers: Orphanet 100, MedGen C0004135, MONDO:0008840, OMIM 208900.

Submission:

Labcorp Genetics (formerly Invitae), Labcorp
Classification: Uncertain significance for Ataxia-telangiectasia syndrome. Last evaluated: 2023-08-23. Review status: criteria provided, single submitter. Criteria: Invitae Variant Classification Sherloc (09022015). Collection method: clinical testing. Allele origin: germline.
Comment: This variant is not present in population databases (gnomAD no frequency). This sequence change replaces isoleucine, which is neutral and non-polar, with phenylalanine, which is neutral and non-polar, at codon 2311 of the ATM protein (p.Ile2311Phe). This variant has not been reported in the literature in individuals affected with ATM-related conditions. An algorithm developed to predict the effect of missense changes on protein structure and function (PolyPhen-2) suggests that this variant is likely to be disruptive. In summary, the available evidence is currently insufficient to determine the role of this variant in disease. Therefore, it has been classified as a Variant of Uncertain Significance.